The following is an entry in ClinVar:

NM_032242.4(PLXNA1):c.57G>T (p.Leu19=)

Gene: PLXNA1 (plexin A1; plus strand). Cytogenetic location: 3q21.3.
Variant type: single nucleotide variant.
Coding change: c.57G>T on transcript NM_032242.4 (MANE Select); coding-DNA position 57, G replaced by T.
Protein change: p.Leu19=; no amino-acid change (leucine 19 retained).
Molecular consequence: synonymous variant.
Genome position (GRCh38, 1-based): chr3:126,988,650, G>T. VCF-style: chr3-126988650-G-T. GRCh37 (hg19) VCF-style: chr3-126707493-G-T.
Identifiers: ClinVar variation 4999700 (VCV004999700.1).

ClinVar aggregate classification (germline): Likely benign (1 of 4 stars; one submission).

Conditions:
PLXNA1-related disorder. Also called: PLXNA1-related condition.

Submission:

PreventionGenetics, part of Exact Sciences
Classification: Likely benign for PLXNA1-related condition. Last evaluated: 2025-03-19. Review status: criteria provided, single submitter. Criteria: ACMG Guidelines, 2015. Collection method: clinical testing. Allele origin: germline.
Comment: This variant is classified as likely benign based on ACMG/AMP sequence variant interpretation guidelines (Richards et al. 2015 PMID: 25741868, with internal and published modifications).